The following is an entry in ClinVar:

NM_001145026.2(PTPRQ):c.202G>A (p.Gly68Arg)

Gene: PTPRQ (protein tyrosine phosphatase receptor type Q; plus strand). Cytogenetic location: 12q21.31.
Variant type: single nucleotide variant.
Coding change: c.202G>A on transcript NM_001145026.2 (MANE Select); coding-DNA position 202, G replaced by A.
Protein change: p.Gly68Arg; replaces glycine 68 with arginine.
Molecular consequence: missense variant.
Genome position (GRCh38, 1-based): chr12:80,445,529, G>A. VCF-style: chr12-80445529-G-A. GRCh37 (hg19) VCF-style: chr12-80839309-G-A.
Other names: short protein forms G68R.
Identifiers: ClinVar variation 218516 (VCV000218516.8), dbSNP rs61729303, ClinGen allele CA249154.

ClinVar aggregate classification (germline): Benign/Likely benign. Review status: criteria provided, multiple submitters, no conflicts (2 of 4 stars). 6 submissions from 6 submitters: Benign (2); Likely benign (3). 1 of the submissions does not count toward it. Last evaluated 2026-06-01.

Conditions:
PTPRQ-related disorder. Also called: PTPRQ-related condition.

Allele frequency attached by ClinVar (database versions not stated): 1000 Genomes Project 0.00339; TOPMed 0.00615; gnomAD exomes 0.00914 and 0.00141; ESP Exome Variant Server 0.00088; ExAC 0.00103; gnomAD 0.00318 and 0.00331; 1000 Genomes Project 30x 0.00328.
gnomAD v4.1: 2,495 of 1,547,432 alleles (0.16%); highest among the groups gnomAD compares: Admixed American, 4.4%; 73 homozygotes.

Submissions (6):

CeGaT Center for Human Genetics Tuebingen
Classification: Benign. Last evaluated: 2026-06-01. Review status: criteria provided, single submitter. Criteria: CeGaT Center For Human Genetics Tuebingen Variant Classification Criteria Version 2. Collection method: clinical testing. Allele origin: germline. Affected: yes. Observed: 5 variant alleles.
Comment: PTPRQ: BS1, BS2

GeneDx
Classification: Benign. Last evaluated: 2017-06-09. Review status: criteria provided, single submitter. Criteria: GeneDx Variant Classification (06012015). Collection method: clinical testing. Allele origin: germline. Affected: yes.
Comment: This variant is considered likely benign or benign based on one or more of the following criteria: it is a conservative change, it occurs at a poorly conserved position in the protein, it is predicted to be benign by multiple in silico algorithms, and/or has population frequency not consistent with disease.

Center for Pediatric Genomic Medicine, Children's Mercy Hospital and Clinics
Classification: Likely benign. Last evaluated: 2016-06-29. Review status: criteria provided, single submitter. Criteria: ACMG Guidelines, 2015. Collection method: clinical testing. Allele origin: germline.
ClinVar note: Converted during submission from Likely Benign to Likely benign.

Genomic Diagnostic Laboratory, Division of Genomic Diagnostics, Children's Hospital of Philadelphia
Classification: Likely benign. Last evaluated: 2015-05-05. Review status: criteria provided, single submitter. Criteria: DGD Variant Analysis Guidelines. Collection method: clinical testing. Allele origin: unknown.

Breakthrough Genomics
Classification: Likely benign. Review status: criteria provided, single submitter. Criteria: ACMG Guidelines, 2015. Collection method: not provided. Allele origin: germline. Inheritance: Autosomal recessive inheritance. Affected: yes.

PreventionGenetics, part of Exact Sciences
Classification: Benign for PTPRQ-related condition. Last evaluated: 2019-10-11. Review status: no assertion criteria provided. Collection method: clinical testing. Allele origin: germline. Not counted in ClinVar's aggregate classification.
Comment: This variant is classified as benign based on ACMG/AMP sequence variant interpretation guidelines (Richards et al. 2015 PMID: 25741868, with internal and published modifications).